The following is an entry in ClinVar:

NM_001271.4(CHD2):c.4693-3T>C

Gene: CHD2 (chromodomain helicase DNA binding protein 2; plus strand). Cytogenetic location: 15q26.1.
Variant type: single nucleotide variant.
Coding change: c.4693-3T>C on transcript NM_001271.4 (MANE Select); 3 bases into the intron before coding-DNA position 4693, T replaced by C.
Molecular consequence: intron variant.
Genome position (GRCh38, 1-based): chr15:93,014,693, T>C. VCF-style: chr15-93014693-T-C. GRCh37 (hg19) VCF-style: chr15-93557923-T-C.
Identifiers: ClinVar variation 509293 (VCV000509293.8), dbSNP rs967867731, ClinGen allele CA274886673.
Genomic context (GRCh38, chr15:93,014,693, plus strand): 5'-TATTCTTCTCTGGGGAATTAAGCCTGGGATCTTGAGCTTCTTTGGTTTCCTTTTACTCTT[T>C]AGGAGCAAAAGAAGAAAGACGACGTGACTGGGGGTAAGAAACCATTTCGTCCAGAGGCCT-3'

ClinVar aggregate classification (germline): Conflicting classifications of pathogenicity. Review status: criteria provided, conflicting classifications (1 of 4 stars). 3 submissions from 3 submitters: Uncertain significance (1); Likely benign (1). 1 of the submissions does not count toward it. Last evaluated 2024-03-11.

Conditions:
Developmental and epileptic encephalopathy 94 (DEE94). Also called: CHD2-Related Neurodevelopmental Disorders; Epileptic encephalopathy, childhood-onset. Identifiers: Orphanet 1942, Orphanet 2382, MedGen C3809278, MONDO:0014150, OMIM 615369.
CHD2-related disorder. Also called: CHD2-related condition.

Allele frequency attached by ClinVar (database versions not stated): gnomAD 0.00002 and 0.00003; TOPMed 0.00002.
gnomAD v4.1: 9 of 1,613,280 alleles (0.00056%); highest among the groups gnomAD compares: African/African-American, 0.0053%; no homozygotes.

Submissions (3):

Labcorp Genetics (formerly Invitae), Labcorp
Classification: Uncertain significance for Developmental and epileptic encephalopathy 94. Last evaluated: 2024-03-11. Review status: criteria provided, single submitter. Criteria: Invitae Variant Classification Sherloc (09022015). Collection method: clinical testing. Allele origin: germline.
Comment: This sequence change falls in intron 36 of the CHD2 gene. It does not directly change the encoded amino acid sequence of the CHD2 protein. It affects a nucleotide within the consensus splice site. This variant is not present in population databases (gnomAD no frequency). This variant has not been reported in the literature in individuals affected with CHD2-related conditions. ClinVar contains an entry for this variant (Variation ID: 509293). Variants that disrupt the consensus splice site are a relatively common cause of aberrant splicing (PMID: 17576681, 9536098). Algorithms developed to predict the effect of sequence changes on RNA splicing suggest that this variant is not likely to affect RNA splicing. In summary, the available evidence is currently insufficient to determine the role of this variant in disease. Therefore, it has been classified as a Variant of Uncertain Significance.

GeneDx
Classification: Likely benign. Last evaluated: 2017-04-26. Review status: criteria provided, single submitter. Criteria: GeneDx Variant Classification (06012015). Collection method: clinical testing. Allele origin: germline. Affected: yes.
Comment: This variant is considered likely benign or benign based on one or more of the following criteria: it is a conservative change, it occurs at a poorly conserved position in the protein, it is predicted to be benign by multiple in silico algorithms, and/or has population frequency not consistent with disease.

PreventionGenetics, part of Exact Sciences
Classification: Likely benign for CHD2-related condition. Last evaluated: 2019-06-13. Review status: no assertion criteria provided. Collection method: clinical testing. Allele origin: germline. Not counted in ClinVar's aggregate classification.
Comment: This variant is classified as likely benign based on ACMG/AMP sequence variant interpretation guidelines (Richards et al. 2015 PMID: 25741868, with internal and published modifications).

Literature cited by the submitters: PubMed 17576681 (cited by Labcorp Genetics (formerly Invitae), Labcorp); PubMed 9536098 (cited by Labcorp Genetics (formerly Invitae), Labcorp).